The following is an entry in ClinVar:

NM_000368.5(TSC1):c.-129A>T

Gene: TSC1 (TSC complex subunit 1; minus strand). Cytogenetic location: 9q34.13.
Variant type: single nucleotide variant.
Coding change: c.-129A>T on transcript NM_000368.5 (MANE Select); 129 bases upstream of the start codon, A replaced by T.
Molecular consequence: 5 prime UTR variant.
Genome position (GRCh38, 1-based): chr9:132,935,081, T>A on the plus strand (A>T on the coding strand, the complement: TSC1 is on the minus strand). VCF-style: chr9-132935081-T-A. GRCh37 (hg19) VCF-style: chr9-135810468-T-A.
Other names: c.-129A>T (NM_001162426.2, NM_001162427.2); c.-388A>T (NM_001362177.2).
Identifiers: ClinVar variation 64720 (VCV000064720.8), dbSNP rs116951280, ClinGen allele CA004609.

ClinVar aggregate classification (germline): Benign. Review status: criteria provided, multiple submitters, no conflicts (2 of 4 stars). 6 submissions from 5 submitters: Benign (5). 1 of the submissions does not count toward it. Last evaluated 2023-06-16.

Conditions:
Isolated focal cortical dysplasia type II (FCORD2). Also called: CORTICAL DYSPLASIA OF TAYLOR; Focal cortical dysplasia type II. Identifiers: Orphanet 268994, MedGen C1846385, MONDO:0011818, OMIM 607341, HP:0032051.
Tuberous sclerosis syndrome (TSC). Also called: Tuberous sclerosis; Tuberous Sclerosis Complex. Identifiers: Orphanet 805, MedGen C0041341, MONDO:0001734.
Tuberous sclerosis 1 (TSC1). Identifiers: Orphanet 805, MedGen C1854465, MONDO:0008612, OMIM 191100.

Allele frequency attached by ClinVar (database versions not stated): 1000 Genomes Project 30x 0.00468; 1000 Genomes Project 0.00479; gnomAD 0.01078 and 0.01206; TOPMed 0.01306; gnomAD exomes 0.01358.
gnomAD v4.1: 5,148 of 399,072 alleles (1.3%); highest among the groups gnomAD compares: Admixed American, 1.8%; 51 homozygotes.

Submissions (6):

Department of Pathology and Laboratory Medicine, Sinai Health System
Classification: Benign for tuberous sclerosis. Last evaluated: 2023-06-16. Review status: criteria provided, single submitter. Criteria: ACMG Guidelines, 2015. Collection method: clinical testing. Allele origin: germline. Affected: yes.

Illumina Laboratory Services, Illumina
Classification: Benign for Isolated focal cortical dysplasia type II. Last evaluated: 2018-01-12. Review status: criteria provided, single submitter. Criteria: ICSL Variant Classification Criteria 13 December 2019. Collection method: clinical testing. Allele origin: germline.
Comment: This variant was observed in the ICSL laboratory as part of a predisposition screen in an ostensibly healthy population. It had not been previously curated by ICSL or reported in the Human Gene Mutation Database (HGMD: prior to June 1st, 2018), and was therefore a candidate for classification through an automated scoring system. Utilizing variant allele frequency, disease prevalence and penetrance estimates, and inheritance mode, an automated score was calculated to assess if this variant is too frequent to cause the disease. Based on the score and internal cut-off values, a variant classified as benign is not then subjected to further curation. The score for this variant resulted in a classification of benign for this disease.

Illumina Laboratory Services, Illumina
Classification: Benign for Tuberous sclerosis 1. Last evaluated: 2018-01-12. Review status: criteria provided, single submitter. Criteria: ICSL Variant Classification Criteria 13 December 2019. Collection method: clinical testing. Allele origin: germline.
Comment: the same text as in the submission from Illumina Laboratory Services, Illumina above.

Athena Diagnostics
Classification: Benign. Last evaluated: 2017-11-30. Review status: criteria provided, single submitter. Criteria: Athena Diagnostics Criteria. Collection method: clinical testing. Allele origin: germline.

GeneDx
Classification: Benign. Last evaluated: 2015-03-03. Review status: criteria provided, single submitter. Criteria: GeneDx Variant Classification Process June 2021. Collection method: clinical testing. Allele origin: germline. Affected: yes.

Tuberous sclerosis database (TSC1)
No classification provided. Condition: TSC. Review status: no classification provided. Criteria: Tuberous Sclerosis Database Assertion Criteria 2015. Collection method: curation. Allele origin: germline. Affected: yes and no. Not counted in ClinVar's aggregate classification.

Literature cited by the submitters: PubMed 17304050 (cited by Athena Diagnostics).